The following is an entry in ClinVar:

NM_001204.7(BMPR2):c.1535A>G (p.Lys512Arg)

Gene: BMPR2 (bone morphogenetic protein receptor type 2; plus strand). Cytogenetic location: 2q33.2.
Variant type: single nucleotide variant.
Coding change: c.1535A>G on transcript NM_001204.7 (MANE Select); coding-DNA position 1535, A replaced by G.
Protein change: p.Lys512Arg; replaces lysine 512 with arginine.
Molecular consequence: missense variant.
Genome position (GRCh38, 1-based): chr2:202,552,837, A>G. VCF-style: chr2-202552837-A-G. GRCh37 (hg19) VCF-style: chr2-203417560-A-G.
Other names: c.1535A>G (NM_001204.6); short protein forms K512R.
Identifiers: ClinVar variation 993867 (VCV000993867.9), dbSNP rs1085307364, ClinGen allele CA350344863.

ClinVar aggregate classification (germline): Uncertain significance. Review status: criteria provided, multiple submitters, no conflicts (2 of 4 stars). 2 submissions from 2 submitters: Uncertain significance (2). Last evaluated 2025-05-15.

Conditions:
Inborn genetic diseases. Identifiers: MedGen C0950123, MeSH D030342.

Submissions (2):

Ambry Genetics
Classification: Uncertain significance for Inborn genetic diseases. Last evaluated: 2025-05-15. Review status: criteria provided, single submitter. Criteria: Ambry Variant Classification Scheme 2023. Collection method: clinical testing. Allele origin: germline.
Comment: The p.K512R variant (also known as c.1535A>G), located in coding exon 11 of the BMPR2 gene, results from an A to G substitution at nucleotide position 1535. The lysine at codon 512 is replaced by arginine, an amino acid with highly similar properties. This amino acid position is conserved. In addition, this alteration is predicted to be tolerated by in silico analysis. Based on the available evidence, the clinical significance of this variant remains unclear.

ARUP Laboratories, Molecular Genetics and Genomics, ARUP Laboratories
Classification: Uncertain significance. Last evaluated: 2019-12-18. Review status: criteria provided, single submitter. Criteria: ARUP Molecular Germline Variant Investigation Process. Collection method: clinical testing. Allele origin: germline.
Comment: The BMPR2 c.1535A>G; p.Lys512Arg variant, to our knowledge, is not reported in the medical literature or gene-specific databases. The variant is also absent from general population databases (Exome Variant Server, Genome Aggregation Database), indicating it is not a common polymorphism. However, another variant in the same codon, p.Lys512Thr, is reported in one family with pulmonary arterial hypertension and transfected expressed protein mislocalizes in cells (John 2015, Machado 2001). The lysine at codon 512 is highly conserved, but computational analyses (SIFT, PolyPhen-2) predict that this variant is tolerated. Due to limited information, the clinical significance of the p.Lys512Arg variant is uncertain at this time. References: John A et al. Defective cellular trafficking of the bone morphogenetic protein receptor type II by mutations underlying familial pulmonary arterial hypertension. Gene. 2015 Apr 25;561(1):148-56. Machado RD et al. BMPR2 haploinsufficiency as the inherited molecular mechanism for primary pulmonary hypertension. Am J Hum Genet. 2001 Jan;68(1):92-102.